The following is an entry in ClinVar:

NM_004204.5(PIGQ):c.449del (p.Arg150fs)

Gene: PIGQ (phosphatidylinositol glycan anchor biosynthesis class Q; plus strand). Cytogenetic location: 16p13.3.
Variant type: Deletion.
Coding change: c.449del on transcript NM_004204.5 (MANE Select); coding-DNA position 449, one base deleted (G; older notation c.449delG).
Protein change: p.Arg150fs; shifts the reading frame from arginine 150.
Molecular consequence: frameshift variant.
Genome position (GRCh38, 1-based): chr16:574,523, G deleted. VCF-style (leftmost placement, unchanged base first): chr16-574522-CG-C. GRCh37 (hg19) VCF-style: chr16-624522-CG-C.
Other names: c.449del, p.Arg150fs (NM_148920.4); short protein forms R150fs.
Identifiers: ClinVar variation 1457001 (VCV001457001.6), dbSNP rs2151044473, ClinGen allele CA2573152124.

ClinVar aggregate classification (germline): Pathogenic (1 of 4 stars; one submission).

Conditions:
Epilepsy. Also called: Seizure disorder. Identifiers: MedGen C0014544, MeSH D004827, MONDO:0005027.

Submission:

Labcorp Genetics (formerly Invitae), Labcorp
Classification: Pathogenic for Epilepsy. Last evaluated: 2021-06-19. Review status: criteria provided, single submitter. Criteria: Invitae Variant Classification Sherloc (09022015). Collection method: clinical testing. Allele origin: germline.
Comment: This sequence change creates a premature translational stop signal (p.Arg150Profs*20) in the PIGQ gene. It is expected to result in an absent or disrupted protein product. Loss-of-function variants in PIGQ are known to be pathogenic (PMID: 24463883, 25558065). For these reasons, this variant has been classified as Pathogenic. This variant has not been reported in the literature in individuals with PIGQ-related conditions. This variant is not present in population databases (ExAC no frequency).

Literature cited by the submitters: PubMed 24463883; PubMed 25558065.